The following is an entry in ClinVar:

ClinVar aggregate classification (germline): Benign (1 of 4 stars; one submission).

Conditions:
Wilson disease (WND). Also called: Wilson's disease. Identifiers: Orphanet 905, MedGen C0019202, MONDO:0010200, OMIM 277900. Disease mechanism: loss of function.

Allele frequency attached by ClinVar (database versions not stated): gnomAD 0.02294 and 0.02475; 1000 Genomes Project 0.02416; TOPMed 0.02562; 1000 Genomes Project 30x 0.02670.

Submission:

Illumina Laboratory Services, Illumina
Classification: Benign for Wilson disease. Last evaluated: 2018-01-13. Review status: criteria provided, single submitter. Criteria: ICSL Variant Classification Criteria 13 December 2019. Collection method: clinical testing. Allele origin: germline.
Comment: This variant was observed in the ICSL laboratory as part of a predisposition screen in an ostensibly healthy population. It had not been previously curated by ICSL or reported in the Human Gene Mutation Database (HGMD: prior to June 1st, 2018), and was therefore a candidate for classification through an automated scoring system. Utilizing variant allele frequency, disease prevalence and penetrance estimates, and inheritance mode, an automated score was calculated to assess if this variant is too frequent to cause the disease. Based on the score and internal cut-off values, a variant classified as benign is not then subjected to further curation. The score for this variant resulted in a classification of benign for this disease.

NM_000053.4(ATP7B):c.*1717G>T

Genes: ATP7B (ATPase copper transporting beta; minus strand), TMEM272 (transmembrane protein 272; minus strand). Cytogenetic location: 13q14.3.
Variant type: single nucleotide variant.
Coding change: c.*1717G>T on transcript NM_000053.4 (MANE Select); 1717 bases downstream of the stop codon, G replaced by T.
Molecular consequence: 3 prime UTR variant.
Genome position (GRCh38, 1-based): chr13:51,933,039, C>A on the plus strand (G>T on the coding strand, the complement: ATP7B is on the minus strand). VCF-style: chr13-51933039-C-A. GRCh37 (hg19) VCF-style: chr13-52507175-C-A.
Other names: c.*1717G>T (NM_001005918.3, NM_001243182.2, NM_001330578.2 and 1 more transcripts).
Identifiers: ClinVar variation 312345 (VCV000312345.5), dbSNP rs77770386, ClinGen allele CA10644713.